The following is an entry in ClinVar:

ClinVar aggregate classification (germline): Uncertain significance (1 of 4 stars; one submission).

gnomAD v4.1: 1 of 1,614,090 alleles (0.000062%); highest among the groups gnomAD compares: Non-Finnish European, 0.000085%; no homozygotes.

Submission:

Ambry Genetics
Classification: Uncertain significance. Last evaluated: 2026-01-16. Review status: criteria provided, single submitter. Criteria: Ambry Variant Classification Scheme 2023. Collection method: clinical testing. Allele origin: germline.
Comment: The p.E81A variant (also known as c.242A>C), located in coding exon 2 of the GFI1 gene, results from an A to C substitution at nucleotide position 242. The glutamic acid at codon 81 is replaced by alanine, an amino acid with dissimilar properties. This amino acid position is conserved. In addition, this alteration is predicted to be tolerated by in silico analysis. Based on the available evidence, the clinical significance of this variant remains unclear.

NM_005263.5(GFI1):c.242A>C (p.Glu81Ala)

Gene: GFI1 (growth factor independent 1 transcriptional repressor; minus strand). Cytogenetic location: 1p22.1.
Variant type: single nucleotide variant.
Coding change: c.242A>C on transcript NM_005263.5 (MANE Select); coding-DNA position 242, A replaced by C.
Protein change: p.Glu81Ala; replaces glutamic acid 81 with alanine.
Molecular consequence: missense variant.
Genome position (GRCh38, 1-based): chr1:92,482,920, T>G on the plus strand (A>C on the coding strand, the complement: GFI1 is on the minus strand). VCF-style: chr1-92482920-T-G. GRCh37 (hg19) VCF-style: chr1-92948477-T-G.
Other names: c.242A>C, p.Glu81Ala (NM_001127215.3, NM_001127216.3); short protein forms E81A.
Identifiers: ClinVar variation 4824842 (VCV004824842.1).